The following is an entry in ClinVar:

ClinVar aggregate classification (germline): Pathogenic. Review status: reviewed by expert panel (3 of 4 stars). 11 submissions from 11 submitters: Pathogenic (1). 10 of the submissions do not count toward it. Last evaluated 2016-09-08.

Conditions:
Hereditary breast ovarian cancer syndrome. Also called: Breast and ovarian cancer; Hereditary breast and ovarian cancer; Hereditary breast and ovarian cancer syndrome; BRCA1- and BRCA2-Associated Hereditary Breast and Ovarian Cancer; Hereditary breast and ovarian cancer syndrome (HBOC); Hereditary breast and/or ovarian cancer syndrome. Identifiers: Orphanet 145, MedGen C0677776, MeSH D061325, MONDO:0003582. Disease mechanism: loss of function.
Breast carcinoma. Also called: Carcinoma of breast. Identifiers: MedGen C0678222, MONDO:0004989, HP:0003002.
Hereditary cancer-predisposing syndrome. Also called: Tumor predisposition; Hereditary Cancer Syndrome; Neoplastic Syndromes, Hereditary; Hereditary neoplastic syndrome. Identifiers: Orphanet 140162, MedGen C0027672, MeSH D009386, MONDO:0015356.
Breast-ovarian cancer, familial, susceptibility to, 2 (BROVCA2). Also called: BRCA2 Hereditary Breast and Ovarian Cancer. Identifiers: Orphanet 145, MedGen C2675520, MONDO:0012933, OMIM 612555. Disease mechanism: loss of function.

Submissions (11):

Evidence-based Network for the Interpretation of Germline Mutant Alleles (ENIGMA)
Classification: Pathogenic for Breast-ovarian cancer, familial, susceptibility to, 2. Last evaluated: 2016-09-08. Review status: reviewed by expert panel. Criteria: ENIGMA BRCA1/2 Classification Criteria (2015). Collection method: curation. Allele origin: germline.
Comment: Variant allele predicted to encode a truncated non-functional protein.

Labcorp Genetics (formerly Invitae), Labcorp
Classification: Pathogenic for Hereditary breast ovarian cancer syndrome. Last evaluated: 2025-12-24. Review status: criteria provided, single submitter. Criteria: Invitae Variant Classification Sherloc (09022015). Collection method: clinical testing. Allele origin: germline. Not counted in ClinVar's aggregate classification.
Comment: This sequence change creates a premature translational stop signal (p.Ser3228Valfs*21) in the BRCA2 gene. While this is not anticipated to result in nonsense mediated decay, it is expected to disrupt the last 191 amino acid(s) of the BRCA2 protein. This variant is present in population databases (rs398122618, gnomAD 0.0009%). This premature translational stop signal has been observed in individual(s) with breast cancer (PMID: 26183948). ClinVar contains an entry for this variant (Variation ID: 91530). This variant disrupts a region of the BRCA2 protein in which other variant(s) (p.Tyr3308*) have been determined to be pathogenic (PMID: 17026620, 18593900, 18607349, 22711857). This suggests that this is a clinically significant region of the protein, and that variants that disrupt it are likely to be disease-causing. For these reasons, this variant has been classified as Pathogenic.

GeneKor MSA
Classification: Pathogenic for Hereditary breast ovarian cancer syndrome. Last evaluated: 2025-05-15. Review status: criteria provided, single submitter. Criteria: ACMG Guidelines, 2015. Collection method: clinical testing. Allele origin: germline. Affected: no. Not counted in ClinVar's aggregate classification.
Comment: The genetic variant is a deletion of a single nucleotide in exon 27 of the BRCA2 gene (c.9682delA). This deletion causes a frameshift and leads to the creation of a premature stop codon 21 amino acids downstream – p.(Ser3228Valfs*21). As a result, protein synthesis is prematurely terminated, leading to the loss of function of one allele of the gene.This variant is listed in the ClinVar database (VCV000091530.22) and is classified as pathogenic.

Ambry Genetics
Classification: Pathogenic for Hereditary cancer-predisposing syndrome. Last evaluated: 2024-10-18. Review status: criteria provided, single submitter. Criteria: Ambry Variant Classification Scheme 2023. Collection method: clinical testing. Allele origin: germline. Not counted in ClinVar's aggregate classification.
Comment: The c.9682delA pathogenic mutation, located in coding exon 26 of the BRCA2 gene, results from a deletion of one nucleotide at nucleotide position 9682, causing a translational frameshift with a predicted alternate stop codon (p.S3228Vfs*21). This alteration occurs at the 3' terminus of theBRCA2 gene, is not expected to trigger nonsense-mediated mRNA decay, and impacts the last 6% of the protein. However, premature stop codons are typically deleterious in nature and a significant portion of the protein is affected (Ambry internal data). Based on the supporting evidence, this variant is interpreted as a disease-causing mutation.

Color Diagnostics, LLC DBA Color Health
Classification: Pathogenic for Hereditary cancer-predisposing syndrome. Last evaluated: 2023-02-16. Review status: criteria provided, single submitter. Criteria: ACMG Guidelines, 2015. Collection method: clinical testing. Allele origin: germline. Not counted in ClinVar's aggregate classification.
Comment: This variant deletes 1 nucleotide in exon 27 of the BRCA2 gene, creating a frameshift and premature translation stop signal in the last coding exon. This variant is predicted to escape nonsense-mediated decay and be expressed as a truncated protein. Although functional studies have not been reported, this variant is expected to disrupt the RAD51 binding domain. This domain has been reported to be essential for homologous recombination and DNA repair (PMID: 17515903), therefore this variant is expected to result in an absent or non-functional protein product. In addition, truncating variants occurring downstream of this variant are classified as pathogenic (ClinVar Variation ID: 1069551, 823404, 548323). This variant has been reported in individuals affected with high-risk breast cancer (PMID: 26183948, 35261632; Color internal data). This variant has been identified in 1/249942 chromosomes in the general population by the Genome Aggregation Database (gnomAD). Loss of BRCA2 function is a known mechanism of disease. Based on the available evidence, this variant is classified as Pathogenic.

GeneDx
Classification: Pathogenic. Last evaluated: 2022-11-03. Review status: criteria provided, single submitter. Criteria: GeneDx Variant Classification Process June 2021. Collection method: clinical testing. Allele origin: germline. Affected: yes. Not counted in ClinVar's aggregate classification.
Comment: Frameshift variant predicted to result in protein truncation in a gene for which loss-of-function is a known mechanism of disease; Not observed at a significant frequency in large population cohorts (gnomAD); Observed in individuals with a personal or family history consistent with pathogenic variants in this gene referred for genetic testing at GeneDx and in the published literature (Dodova et al., 2015); Truncating variants in this gene are considered pathogenic by a well-established clinical consortium and/or database; Also known as 9910delA; This variant is associated with the following publications: (PMID: 29310832, 26183948, 30720243, 31159747, 29922827)

Clinical Genetics and Genomics, Karolinska University Hospital
Classification: Pathogenic. Last evaluated: 2018-02-23. Review status: criteria provided, single submitter. Criteria: ACMG Guidelines, 2015. Collection method: clinical testing. Allele origin: germline. Affected: yes. Observed: 1 variant allele. Not counted in ClinVar's aggregate classification.

Consortium of Investigators of Modifiers of BRCA1/2 (CIMBA), c/o University of Cambridge
Classification: Pathogenic for Breast-ovarian cancer, familial, susceptibility to, 2. Last evaluated: 2015-10-02. Review status: criteria provided, single submitter. Criteria: CIMBA Mutation Classification guidelines May 2016. Collection method: clinical testing. Allele origin: germline. Not counted in ClinVar's aggregate classification.

Medical Genetics Laboratory, Umraniye Training and Research Hospital, University of Health Sciences
Classification: Pathogenic for Breast carcinoma. Last evaluated: 2021-08-08. Review status: no assertion criteria provided. Collection method: clinical testing. Allele origin: germline. Inheritance: Autosomal dominant inheritance. Affected: yes. Observed: 1 variant allele, 1 heterozygote. Not counted in ClinVar's aggregate classification.

BRCAlab, Lund University
Classification: Pathogenic for Breast-ovarian cancer, familial, susceptibility to, 2. Last evaluated: 2020-03-02. Review status: no assertion criteria provided. Collection method: clinical testing. Allele origin: germline. Affected: yes. Not counted in ClinVar's aggregate classification.

Sharing Clinical Reports Project (SCRP)
Classification: Pathogenic for Breast-ovarian cancer, familial 2. Last evaluated: 2012-10-18. Review status: no assertion criteria provided. Collection method: clinical testing. Allele origin: germline. Not counted in ClinVar's aggregate classification.

Literature cited by the submitters: PubMed 26183948 (cited by 3 submitters); PubMed 17026620 (cited by Labcorp Genetics (formerly Invitae), Labcorp); PubMed 18593900 (cited by Labcorp Genetics (formerly Invitae), Labcorp); PubMed 18607349 (cited by Labcorp Genetics (formerly Invitae), Labcorp); PubMed 22711857 (cited by Labcorp Genetics (formerly Invitae), Labcorp); PubMed 17515903 (cited by Color Diagnostics, LLC DBA Color Health); PubMed 35261632 (cited by Color Diagnostics, LLC DBA Color Health).

NM_000059.4(BRCA2):c.9682del (p.Ser3228fs)

Gene: BRCA2 (BRCA2 DNA repair associated; plus strand). Cytogenetic location: 13q13.1.
Variant type: Deletion.
Coding change: c.9682del on transcript NM_000059.4 (MANE Select); coding-DNA position 9682, one base deleted (A; older notation c.9682delA).
Protein change: p.Ser3228fs; shifts the reading frame from serine 3228.
Molecular consequence: frameshift variant.
Genome position (GRCh38, 1-based): chr13:32,398,195, A deleted; the last of 3 consecutive A bases (chr13:32,398,193-32,398,195); deleting any one gives the same sequence. VCF-style (leftmost placement, unchanged base first): chr13-32398192-CA-C. GRCh37 (hg19) VCF-style: chr13-32972329-CA-C.
Other names: 9910delA; c.9682delA (NM_000059.3, NM_000059.4).
Identifiers: ClinVar variation 91530 (VCV000091530.24), dbSNP rs398122618, ClinGen allele CA026267.